The following is an entry in ClinVar:

ClinVar aggregate classification (germline): Uncertain significance. Review status: criteria provided, multiple submitters, no conflicts (2 of 4 stars). 3 submissions from 3 submitters: Uncertain significance (2). 1 of the submissions does not count toward it. Last evaluated 2021-12-15.

Conditions:
CEP290-related disorder. Also called: CEP290-related condition; CEP290-related disorders. Identifiers: MedGen CN239314.
Meckel-Gruber syndrome. Also called: Dysencephalia splachnocystica; GRUBER SYNDROME; DYSENCEPHALIA SPLANCHNOCYSTICA. Identifiers: Orphanet 564, MedGen C0265215, MONDO:0018921.
Nephronophthisis. Also called: Juvenile Nephronophthisis. Identifiers: Orphanet 655, MedGen C0687120, MONDO:0019005, HP:0000090.
Joubert syndrome. Also called: JOUBERT-BOLTSHAUSER SYNDROME; Familial aplasia of the vermis; CEREBELLOPARENCHYMAL DISORDER IV. Identifiers: Orphanet 475, MedGen C5979921, MONDO:0018772.

Allele frequency attached by ClinVar (database versions not stated): gnomAD exomes below 0.00001 and 0.00001; ExAC 0.00002; gnomAD 0.00002; TOPMed 0.00002; ESP Exome Variant Server 0.00008.
gnomAD v4.1: 23 of 1,609,846 alleles (0.0014%); highest among the groups gnomAD compares: Non-Finnish European, 0.0019%; no homozygotes.

Submissions (3):

Labcorp Genetics (formerly Invitae), Labcorp
Classification: Uncertain significance for Joubert syndrome; Meckel-Gruber syndrome; Nephronophthisis. Last evaluated: 2021-12-15. Review status: criteria provided, single submitter. Criteria: Invitae Variant Classification Sherloc (09022015). Collection method: clinical testing. Allele origin: germline.
Comment: This sequence change replaces glutamine, which is neutral and polar, with arginine, which is basic and polar, at codon 184 of the CEP290 protein (p.Gln184Arg). This variant is present in population databases (rs374752439, gnomAD 0.002%). This variant has not been reported in the literature in individuals affected with CEP290-related conditions. ClinVar contains an entry for this variant (Variation ID: 421712). Algorithms developed to predict the effect of missense changes on protein structure and function (SIFT, PolyPhen-2, Align-GVGD) all suggest that this variant is likely to be tolerated. In summary, the available evidence is currently insufficient to determine the role of this variant in disease. Therefore, it has been classified as a Variant of Uncertain Significance.

GeneDx
Classification: Uncertain significance. Last evaluated: 2019-01-16. Review status: criteria provided, single submitter. Criteria: GeneDx Variant Classification (06012015). Collection method: clinical testing. Allele origin: germline. Affected: yes.
Comment: A variant of uncertain significance has been identified in the CEP290 gene. The Q184R variant has not been published as a pathogenic variant, nor has it been reported as a benign variant to our knowledge. It was not observed with any significant frequency in approximately 5,900 individuals of European and African American ancestry in the NHLBI Exome Sequencing Project. The Q184R variant is a semi-conservative amino acid substitution, which may impact secondary protein structure as these residues differ in some properties. This substitution occurs at a position that is conserved in mammals. However, in silico analysis predicts this variant likely does not alter the protein structure/function. Therefore, based on the currently available information, it is unclear whether this variant is a pathogenic variant or a rare benign variant.

PreventionGenetics, part of Exact Sciences
Classification: Uncertain significance for CEP290-related condition. Last evaluated: 2024-05-30. Review status: no assertion criteria provided. Collection method: clinical testing. Allele origin: germline. Not counted in ClinVar's aggregate classification.
Comment: The CEP290 c.551A>G variant is predicted to result in the amino acid substitution p.Gln184Arg. To our knowledge, this variant has not been reported in the literature. This variant is reported in 0.00089% of alleles in individuals of European (Non-Finnish) descent in gnomAD. At this time, the clinical significance of this variant is uncertain due to the absence of conclusive functional and genetic evidence.

NM_025114.4(CEP290):c.551A>G (p.Gln184Arg)

Gene: CEP290 (centrosomal protein 290; minus strand). Cytogenetic location: 12q21.32.
Variant type: single nucleotide variant.
Coding change: c.551A>G on transcript NM_025114.4 (MANE Select); coding-DNA position 551, A replaced by G.
Protein change: p.Gln184Arg; replaces glutamine 184 with arginine.
Molecular consequence: missense variant.
Genome position (GRCh38, 1-based): chr12:88,130,386, T>C on the plus strand (A>G on the coding strand, the complement: CEP290 is on the minus strand). VCF-style: chr12-88130386-T-C. GRCh37 (hg19) VCF-style: chr12-88524163-T-C.
Other names: short protein forms Q184R.
Identifiers: ClinVar variation 421712 (VCV000421712.6), dbSNP rs374752439, ClinGen allele CA6712739.